The following is an entry in ClinVar:

NM_001130144.3(LTBP3):c.3869G>A (p.Arg1290His)

Gene: LTBP3 (latent transforming growth factor beta binding protein 3; minus strand). Cytogenetic location: 11q13.1.
Variant type: single nucleotide variant.
Coding change: c.3869G>A on transcript NM_001130144.3 (MANE Select); coding-DNA position 3869, G replaced by A.
Protein change: p.Arg1290His; replaces arginine 1290 with histidine.
Molecular consequence: missense variant.
Genome position (GRCh38, 1-based): chr11:65,539,123, C>T on the plus strand (G>A on the coding strand, the complement: LTBP3 is on the minus strand). VCF-style: chr11-65539123-C-T. GRCh37 (hg19) VCF-style: chr11-65306594-C-T.
Other names: c.3377G>A, p.Arg1126His (NM_001164266.1); c.3728G>A, p.Arg1243His (NM_021070.4); short protein forms R1126H, R1243H, R1290H.
Identifiers: ClinVar variation 3714444 (VCV003714444.2).

ClinVar aggregate classification (germline): Uncertain significance (1 of 4 stars; one submission).

Conditions:
Brachyolmia-amelogenesis imperfecta syndrome. Also called: PLATYSPONDYLY WITH AMELOGENESIS IMPERFECTA; Tooth agenesis, selective, 6; Dental anomalies and short stature. Identifiers: Orphanet 2899, MedGen C1832594, MONDO:0011018, OMIM 601216. Disease mechanism: loss of function.

Submission:

Labcorp Genetics (formerly Invitae), Labcorp
Classification: Uncertain significance for Brachyolmia-amelogenesis imperfecta syndrome. Last evaluated: 2025-01-22. Review status: criteria provided, single submitter. Criteria: Invitae Variant Classification Sherloc (09022015). Collection method: clinical testing. Allele origin: germline.
Comment: This sequence change replaces arginine, which is basic and polar, with histidine, which is basic and polar, at codon 1290 of the LTBP3 protein (p.Arg1290His). This variant is not present in population databases (gnomAD no frequency). This variant has not been reported in the literature in individuals affected with LTBP3-related conditions. An algorithm developed to predict the effect of missense changes on protein structure and function (PolyPhen-2) suggests that this variant is likely to be disruptive. In summary, the available evidence is currently insufficient to determine the role of this variant in disease. Therefore, it has been classified as a Variant of Uncertain Significance.